The following is an entry in ClinVar:

ClinVar aggregate classification (germline): Uncertain significance (1 of 4 stars; one submission).

Conditions:
Joubert syndrome 18 (JBTS18). Identifiers: Orphanet 2754, MedGen C3553758, MONDO:0013896, OMIM 614815.
Orofacial-digital syndrome IV (OFD4). Also called: Orofaciodigital syndrome IV; BARAITSER-BURN SYNDROME; MOHR-MAJEWSKI SYNDROME; OFD SYNDROME WITH TIBIAL DEFECTS; OFD SYNDROME, BARAITSER-BURN TYPE; OFDS IV. Identifiers: Orphanet 2753, MedGen C0406727, MONDO:0009794, OMIM 258860.

Submission:

Labcorp Genetics (formerly Invitae), Labcorp
Classification: Uncertain significance for Joubert syndrome 18; Orofacial-digital syndrome IV. Last evaluated: 2022-02-24. Review status: criteria provided, single submitter. Criteria: Invitae Variant Classification Sherloc (09022015). Collection method: clinical testing. Allele origin: germline.
Comment: In summary, the available evidence is currently insufficient to determine the role of this variant in disease. Therefore, it has been classified as a Variant of Uncertain Significance. Experimental studies and prediction algorithms are not available or were not evaluated, and the functional significance of this variant is currently unknown. This premature translational stop signal has been observed in individual(s) with TCTN3- related conditions (PMID: 28333917). This variant is not present in population databases (gnomAD no frequency). This sequence change creates a premature translational stop signal (p.Thr550Profs*55) in the TCTN3 gene. While this is not anticipated to result in nonsense mediated decay, it is expected to disrupt the last 58 amino acid(s) of the TCTN3 protein.

Literature cited by the submitters: PubMed 28333917.

NM_015631.6(TCTN3):c.1647del (p.Thr550fs)

Gene: TCTN3 (tectonic family member 3; minus strand). Cytogenetic location: 10q24.1.
Variant type: Deletion.
Coding change: c.1647del on transcript NM_015631.6 (MANE Select); coding-DNA position 1647, one base deleted (T; older notation c.1647delT).
Protein change: p.Thr550fs; shifts the reading frame from threonine 550.
Molecular consequence: frameshift variant.
Genome position (GRCh38, 1-based): chr10:95,664,244, A deleted on the plus strand (T on the coding strand, the reverse complement: TCTN3 is on the minus strand); the first of 2 consecutive A bases (chr10:95,664,244-95,664,245); deleting either gives the same sequence. VCF-style (leftmost placement, unchanged base first): chr10-95664243-TA-T. GRCh37 (hg19) VCF-style: chr10-97424000-TA-T.
Other names: c.1203del, p.Thr402fs (NM_001143973.2); short protein forms T402fs, T550fs.
Identifiers: ClinVar variation 1420806 (VCV001420806.6), dbSNP rs2139691832, ClinGen allele CA2573145889.